The following is an entry in ClinVar:

NM_000551.4(VHL):c.208G>T (p.Glu70Ter)

Gene: VHL (von Hippel-Lindau tumor suppressor; plus strand). Cytogenetic location: 3p25.3.
Variant type: single nucleotide variant.
Coding change: c.208G>T on transcript NM_000551.4 (MANE Select); coding-DNA position 208, G replaced by T.
Protein change: p.Glu70Ter; replaces glutamic acid 70 with a stop codon.
Molecular consequence: nonsense.
Genome position (GRCh38, 1-based): chr3:10,142,055, G>T. VCF-style: chr3-10142055-G-T. GRCh37 (hg19) VCF-style: chr3-10183739-G-T.
Other names: NM_000551.4(VHL):c.208G>T; p.Glu70Ter; c.208G>T, p.Glu70Ter (NM_001354723.2, NM_198156.3); short protein forms E70*.
Identifiers: ClinVar variation 428806 (VCV000428806.8), dbSNP rs5030802, ClinGen allele CA16602179.
Genomic context (GRCh38, chr3:10,142,055, plus strand): 5'-GCCGAGGAGGAGATGGAGGCCGGGCGGCCGCGGCCCGTGCTGCGCTCGGTGAACTCGCGC[G>T]AGCCCTCCCAGGTCATCTTCTGCAATCGCAGTCCGCGCGTCGTGCTGCCCGTATGGCTCA-3'

ClinVar aggregate classification (germline): Pathogenic. Review status: reviewed by expert panel (3 of 4 stars). 4 submissions from 4 submitters: Pathogenic (1). 3 of the submissions do not count toward it. Last evaluated 2024-06-25.

Conditions:
Hereditary cancer-predisposing syndrome. Also called: Hereditary neoplastic syndrome; Tumor predisposition; Neoplastic Syndromes, Hereditary; Hereditary Cancer Syndrome. Identifiers: Orphanet 140162, MedGen C0027672, MeSH D009386, MONDO:0015356.
Von Hippel-Lindau syndrome (VHLS). Also called: von Hippel–Lindau syndrome; Von Hippel-Lindau; VHL syndrome. Identifiers: Orphanet 892, MedGen C0019562, MONDO:0008667, OMIM 193300. Disease mechanism: loss of function.

gnomAD v4.1: 1 of 1,606,316 alleles (0.000062%); no homozygotes.

Submissions (4):

ClinGen VHL Variant Curation Expert Panel, ClinGen
Classification: Pathogenic for Von Hippel-Lindau syndrome. Last evaluated: 2024-06-25. Review status: reviewed by expert panel. Criteria: ClinGen VHL VCEP ACMG Specifications VHL V1. Collection method: curation. Allele origin: germline. Inheritance: Autosomal dominant inheritance.
Comment: The variant NM_000551.3(VHL):c.208G>T (p.Glu70Ter) variant in VHL is a truncating variant. This variant causes a premature stop codon in a biologically-relevant-exon leading to nonsense mediated decay in a gene in which loss-of-function is an established disease mechanism (PVS1_Met). The variant has been reported in 6 unrelated probands and/or families meeting either VHL Type 1 or affected with VHL-related cancers. CIViC Evidence IDs: 9266,5361,5445,5035,6059,8209 and PMIDs: 18446368, 8707293, 20660572, 9829911, 7728151, 11148816. (PS4_Moderate) There is one variant present in gnomAD v4.1.0. The GroupMax Filtering Allele Frequency (95% CI) in gnomAD v4.1.0 is not calculated. PM2_Supporting can be applied for variants with <= 0.0000015 (0.00015%) frequency in gnomAD, or if no GroupMax Filtering Allele Frequency is calculated (due to a single variant present) (PM2_Supporting). In summary, this variant meets the criteria to be classified as Pathogenic for autosomal-dominant von Hippel-Lindau syndrome (VHL syndrome) based on the ACMG/AMP criteria applied, as specified by the ClinGen VHL VCEP Version 1.0 (Specifications approval date: 02/26/2024. Variant Approval Date 06/25/2024).

Genomic Diagnostic Laboratory, Division of Genomic Diagnostics, Children's Hospital of Philadelphia
Classification: Pathogenic for von Hippel-Lindau syndrome. Last evaluated: 2018-08-01. Review status: criteria provided, single submitter. Criteria: DGD Variant Analysis Guidelines. Collection method: clinical testing. Allele origin: germline. Affected: yes. Observed: 2 variant alleles. Not counted in ClinVar's aggregate classification.

PreventionGenetics, part of Exact Sciences
Classification: Pathogenic. Last evaluated: 2017-10-03. Review status: criteria provided, single submitter. Criteria: ACMG Guidelines, 2015. Collection method: clinical testing. Allele origin: germline. Not counted in ClinVar's aggregate classification.

Ambry Genetics
Classification: Pathogenic for Hereditary cancer-predisposing syndrome. Last evaluated: 2014-10-03. Review status: criteria provided, single submitter. Criteria: Ambry Variant Classification Scheme 2023. Collection method: clinical testing. Allele origin: germline. Not counted in ClinVar's aggregate classification.
Comment: The p.E70* pathogenic mutation (also known as c.208G>T) is located in coding exon 1 of the VHL gene, and results from a G to T substitution at nucleotide position 208. This changes the amino acid from a glutamic acid to a stop codon within coding exon 1. This alteration was first identified in an individual with von Hippel-Lindau disease Type 1 (Chen F, Hum. Mutat. 1995 ; 5(1):66-75), and is also known as 421G>T and Glu70stop in the literature. In addition to the clinical data presented in the literature, since premature stop codons are typically deleterious in nature, this alteration is interpreted as a disease-causing mutation (ACMG Recommendations for Standards for Interpretation and Reporting of Sequence Variations. Revision 2007. Genet Med. 2008;10:294).

Literature cited by the submitters: PubMed 7728151 (cited by Ambry Genetics).